The following is an entry in ClinVar:

NM_033380.3(COL4A5):c.1339+3A>C

Gene: COL4A5 (collagen type IV alpha 5 chain; plus strand). Cytogenetic location: Xq22.3.
Variant type: single nucleotide variant.
Coding change: c.1339+3A>C on transcript NM_033380.3 (MANE Select); 3 bases into the intron after coding-DNA position 1339, A replaced by C.
Molecular consequence: intron variant.
Genome position (GRCh38, 1-based): chrX:108,591,234, A>C. VCF-style: chrX-108591234-A-C. GRCh37 (hg19) VCF-style: chrX-107834464-A-C.
Other names: c.1339+3A>C (NM_000495.5).
Identifiers: ClinVar variation 2132037 (VCV002132037.4), dbSNP rs2524283281, ClinGen allele CA2580100230.
Genomic context (GRCh38, chrX:108,591,234, plus strand): 5'-CCTGGGGCTCCTGGGCTTCCAGGGCCTCCTGGCCCTGCTGGCCCTCACATTCCTCCTAGT[A>C]AGCTATATTTTTCTCCTATTAAGTTCTATTTTTGTTTTTGTTTATTTTGTTTATAAGTAA-3'

ClinVar aggregate classification (germline): Uncertain significance (1 of 4 stars; one submission).

Submission:

Labcorp Genetics (formerly Invitae), Labcorp
Classification: Uncertain significance. Last evaluated: 2022-09-06. Review status: criteria provided, single submitter. Criteria: Invitae Variant Classification Sherloc (09022015). Collection method: clinical testing. Allele origin: germline.
Comment: In summary, the available evidence is currently insufficient to determine the role of this variant in disease. Therefore, it has been classified as a Variant of Uncertain Significance. Variants that disrupt the consensus splice site are a relatively common cause of aberrant splicing (PMID: 17576681, 9536098). Algorithms developed to predict the effect of sequence changes on RNA splicing suggest that this variant may disrupt the consensus splice site. This variant has not been reported in the literature in individuals affected with COL4A5-related conditions. This variant is not present in population databases (gnomAD no frequency). This sequence change falls in intron 20 of the COL4A5 gene. It does not directly change the encoded amino acid sequence of the COL4A5 protein. It affects a nucleotide within the consensus splice site.

Literature cited by the submitters: PubMed 17576681; PubMed 9536098.